The following is an entry in ClinVar:

ClinVar aggregate classification (germline): Likely benign. Review status: criteria provided, multiple submitters, no conflicts (2 of 4 stars). 2 submissions from 2 submitters: Likely benign (2). Last evaluated 2024-06-13.

Conditions:
Arrhythmogenic right ventricular dysplasia 5. Also called: Arrhythmogenic Right Ventricular Dysplasia/Cardiomyopathy 5; ARRHYTHMOGENIC RIGHT VENTRICULAR DYSPLASIA, FAMILIAL, 5. Identifiers: MedGen C1858379, MONDO:0011459, OMIM 604400.

Allele frequency attached by ClinVar (database versions not stated): TOPMed below 0.00001.
gnomAD v4.1: 12 of 1,614,138 alleles (0.00074%); highest among the groups gnomAD compares: Non-Finnish European, 0.001%; no homozygotes.

Submissions (2):

Labcorp Genetics (formerly Invitae), Labcorp
Classification: Likely benign for Arrhythmogenic right ventricular dysplasia 5. Last evaluated: 2024-06-13. Review status: criteria provided, single submitter. Criteria: Invitae Variant Classification Sherloc (09022015). Collection method: clinical testing. Allele origin: germline.

All of Us Research Program, National Institutes of Health
Classification: Likely benign for Arrhythmogenic right ventricular dysplasia 5. Last evaluated: 2023-11-02. Review status: criteria provided, single submitter. Criteria: ACMG Guidelines, 2015. Collection method: clinical testing. Allele origin: germline. Inheritance: Autosomal dominant inheritance. Observed: 1 variant allele, 1 heterozygote.
Comment: This study involves interpretation of variants in research participants for the purpose of population health screening. Participant phenotype was not available at the time of variant classification. Additional details can be found in publication PMID: 35346344, PMCID: PMC8962531

NM_024334.3(TMEM43):c.135C>G (p.Leu45=)

Gene: TMEM43 (transmembrane protein 43; plus strand). Cytogenetic location: 3p25.1.
Variant type: single nucleotide variant.
Coding change: c.135C>G on transcript NM_024334.3 (MANE Select); coding-DNA position 135, C replaced by G.
Protein change: p.Leu45=; no amino-acid change (leucine 45 retained).
Molecular consequence: synonymous variant. On other transcripts: intron variant (1).
Genome position (GRCh38, 1-based): chr3:14,129,534, C>G. VCF-style: chr3-14129534-C-G. GRCh37 (hg19) VCF-style: chr3-14171034-C-G.
Other names: c.135C>G, p.Leu45= (NM_001407274.1, NM_001407275.1, NM_001407276.1 and 3 more transcripts); c.13-1288C>G (NM_001407280.1).
Identifiers: ClinVar variation 2889542 (VCV002889542.4), dbSNP rs1205453844, ClinGen allele CA432551050.